The following is an entry in ClinVar:

NM_139276.3(STAT3):c.550+190C>A

Gene: STAT3 (signal transducer and activator of transcription 3; minus strand). Cytogenetic location: 17q21.2.
Variant type: single nucleotide variant.
Coding change: c.550+190C>A on transcript NM_139276.3 (MANE Select); 190 bases into the intron after coding-DNA position 550, C replaced by A.
Molecular consequence: intron variant.
Genome position (GRCh38, 1-based): chr17:42,338,541, G>T on the plus strand (C>A on the coding strand, the complement: STAT3 is on the minus strand). VCF-style: chr17-42338541-G-T. GRCh37 (hg19) VCF-style: chr17-40490559-G-T.
Other names: NC_000017.10:g.40490559G>T; c.454+190C>A (NM_001384989.1); c.550+190C>A (NM_001384992.1, NM_001384984.1, NM_001369519.1 and 15 more transcripts); c.472+190C>A (NM_001384985.1).
Identifiers: ClinVar variation 677121 (VCV000677121.4), dbSNP rs62075768, ClinGen allele CA290743193.

ClinVar aggregate classification (germline): Benign/Likely benign. Review status: criteria provided, multiple submitters, no conflicts (2 of 4 stars). 3 submissions from 3 submitters: Benign (1); Likely benign (2). Last evaluated 2025-02-16.

Allele frequency attached by ClinVar (database versions not stated): gnomAD 0.06806 and 0.06583.
gnomAD v4.1: 2,478 of 36,234 alleles (6.8%); highest among the groups gnomAD compares: Admixed American, 20%; 244 homozygotes.

Submissions (6):

Laboratory of Genetics, Children's Clinical University Hospital Latvia
Classification: Benign. Last evaluated: 2025-02-16. Review status: criteria provided, single submitter. Criteria: ACMG Guidelines, 2015. Collection method: clinical testing. Allele origin: germline. Affected: yes.

GeneDx
Classification: Likely benign. Last evaluated: 2018-06-14. Review status: criteria provided, single submitter. Criteria: GeneDx Variant Classification (06012015). Collection method: clinical testing. Allele origin: germline. Affected: yes.
Comment: This variant is considered likely benign or benign based on one or more of the following criteria: it is a conservative change, it occurs at a poorly conserved position in the protein, it is predicted to be benign by multiple in silico algorithms, and/or has population frequency not consistent with disease.

Breakthrough Genomics
Classification: Likely benign. Review status: criteria provided, single submitter. Criteria: ACMG Guidelines, 2015. Collection method: not provided. Allele origin: germline. Inheritance: Autosomal dominant inheritance. Affected: yes.

Dr. Peter K. Rogan Lab, Western University
No classification provided (evidence only). Condition: Malignant lymphoma, large B-cell, diffuse. Review status: no classification provided. Collection method: in vitro. Allele origin: not applicable. Functional consequence: retained intron. Not counted in ClinVar's aggregate classification.

Dr. Peter K. Rogan Lab, Western University
No classification provided (evidence only). Condition: Malignant lymphoma, large B-cell, diffuse. Review status: no classification provided. Collection method: in vitro. Allele origin: not applicable. Functional consequence: retained intron. Not counted in ClinVar's aggregate classification.

Dr. Peter K. Rogan Lab, Western University
No classification provided (evidence only). Condition: Uterine carcinosarcoma. Review status: no classification provided. Collection method: in vitro. Allele origin: not applicable. Functional consequence: retained intron. Not counted in ClinVar's aggregate classification.